The following is an entry in ClinVar:

NM_000091.5(COL4A3):c.3770G>C (p.Gly1257Ala)

Genes: COL4A3 (collagen type IV alpha 3 chain; plus strand), MFF-DT (MFF divergent transcript; minus strand). Cytogenetic location: 2q36.3.
Variant type: single nucleotide variant.
Coding change: c.3770G>C on transcript NM_000091.5 (MANE Select); coding-DNA position 3770, G replaced by C.
Protein change: p.Gly1257Ala; replaces glycine 1257 with alanine.
Molecular consequence: missense variant.
Genome position (GRCh38, 1-based): chr2:227,298,700, G>C. VCF-style: chr2-227298700-G-C. GRCh37 (hg19) VCF-style: chr2-228163416-G-C.
Other names: short protein forms G1257A.
Identifiers: ClinVar variation 4817257 (VCV004817257.1).

ClinVar aggregate classification (germline): Likely pathogenic (1 of 4 stars; one submission).

Conditions:
Alport syndrome. Also called: Hemorrhagic familial nephritis; Hemorrhagic hereditary nephritis; Congenital hereditary hematuria. Identifiers: Orphanet 63, MedGen C1567741, MONDO:0018965.

Submission:

Natera, Inc.
Classification: Likely pathogenic for Alport syndrome. Last evaluated: 2024-07-23. Review status: criteria provided, single submitter. Criteria: Natera Variant Classification Schema (03/2026). Collection method: clinical testing. Allele origin: germline.
Comment: The c.3770G>C variant in COL4A3 is a missense variant predicted to cause substitution of glycine to alanine at amino acid 1257. This variant is rare in the general population with a frequency below the threshold expected for the associated phenotype(s). This variant is located in a functionally critical region of the protein. A different variant at the same position has been determined to be Pathogenic or Likely Pathogenic. Computational prediction algorithms indicate this variant is likely to affect gene or protein function. Given the available evidence, this variant is classified as Likely Pathogenic.